The following is an entry in ClinVar:

ClinVar aggregate classification (germline): Benign/Likely benign. Review status: criteria provided, multiple submitters, no conflicts (2 of 4 stars). 7 submissions from 7 submitters: Benign (1); Likely benign (4). 2 of the submissions do not count toward it. Last evaluated 2026-01-23.

Conditions:
Congenital primary aphakia. Also called: Anterior segment dysgenesis 2, multiple subtypes; ANTERIOR SEGMENT DYSGENESIS 2. Identifiers: Orphanet 83461, MedGen C1853230, MONDO:0012456, OMIM 610256.
Anterior segment dysgenesis. Also called: Ocular anterior segment dysgenesis. Identifiers: Orphanet 88632, MedGen C1862839, MONDO:0019503, HP:0007700.
Cardiovascular phenotype. Identifiers: MedGen CN230736.

Allele frequency attached by ClinVar (database versions not stated): TOPMed 0.00016; gnomAD exomes 0.00018; gnomAD 0.00019 and 0.00020; 1000 Genomes Project 30x 0.00031.

Submissions (7):

Labcorp Genetics (formerly Invitae), Labcorp
Classification: Likely benign for Anterior segment dysgenesis; Congenital primary aphakia. Last evaluated: 2026-01-23. Review status: criteria provided, single submitter. Criteria: Invitae Variant Classification Sherloc (09022015). Collection method: clinical testing. Allele origin: germline.

Blueprint Genetics
Classification: Likely benign. Last evaluated: 2024-10-22. Review status: criteria provided, single submitter. Criteria: ACMG Guidelines, 2015. Collection method: clinical testing. Allele origin: germline.

CeGaT Center for Human Genetics Tuebingen
Classification: Likely benign. Last evaluated: 2023-11-01. Review status: criteria provided, single submitter. Criteria: CeGaT Center For Human Genetics Tuebingen Variant Classification Criteria Version 2. Collection method: clinical testing. Allele origin: germline. Affected: yes. Observed: 2 variant alleles.
Comment: FOXE3: BP4, BP7

Women's Health and Genetics/Laboratory Corporation of America, LabCorp
Classification: Benign. Last evaluated: 2023-07-21. Review status: criteria provided, single submitter. Criteria: LabCorp Variant Classification Summary - May 2015. Collection method: clinical testing. Allele origin: germline.

Ambry Genetics
Classification: Likely benign for Cardiovascular phenotype. Last evaluated: 2019-11-19. Review status: criteria provided, single submitter. Criteria: Ambry Variant Classification Scheme 2023. Collection method: clinical testing. Allele origin: germline.

Clinical Genetics DNA and cytogenetics Diagnostics Lab, Erasmus MC, Erasmus Medical Center
Classification: Likely benign. Review status: no assertion criteria provided. Collection method: clinical testing. Allele origin: germline. Affected: yes. Study: VKGL Data-share Consensus. Not counted in ClinVar's aggregate classification.

Clinical Genetics, Academic Medical Center
Classification: Benign. Review status: no assertion criteria provided. Collection method: clinical testing. Allele origin: germline. Affected: yes. Study: VKGL Data-share Consensus. Not counted in ClinVar's aggregate classification.

NM_012186.3(FOXE3):c.828C>G (p.Pro276=)

Genes: FOXE3 (forkhead box E3; plus strand), LINC01389 (long independently transcribed non-coding RNA 1389; minus strand). Cytogenetic location: 1p33.
Variant type: single nucleotide variant.
Coding change: c.828C>G on transcript NM_012186.3 (MANE Select); coding-DNA position 828, C replaced by G.
Protein change: p.Pro276=; no amino-acid change (proline 276 retained).
Molecular consequence: synonymous variant.
Genome position (GRCh38, 1-based): chr1:47,417,143, C>G. VCF-style: chr1-47417143-C-G. GRCh37 (hg19) VCF-style: chr1-47882815-C-G.
Identifiers: ClinVar variation 777909 (VCV000777909.51), dbSNP rs887265865, ClinGen allele CA22069313.
Genomic context (GRCh38, chr1:47,417,143, plus strand): 5'-CGCCTCCCCGCCACTCTACTCGCAGGTCCCCGACCGCCTGGTACTGCCCGCGACGCGCCC[C>G]GGCCCCGGCCCGCTGCCCGCTGAGCCCCTCCTGGCCTTGGCCGGGCCGGCAGCCGCTCTC-3'
Protein context (NP_036318.1, residues 266-286): PDRLVLPATR[Pro276=]GPGPLPAEPL